The following is an entry in ClinVar:

ClinVar aggregate classification (germline): Uncertain significance (1 of 4 stars; one submission).

Conditions:
Inborn genetic diseases. Identifiers: MedGen C0950123, MeSH D030342.

Submission:

Ambry Genetics
Classification: Uncertain significance for Inborn genetic diseases. Last evaluated: 2025-11-11. Review status: criteria provided, single submitter. Criteria: Ambry Variant Classification Scheme 2023. Collection method: clinical testing. Allele origin: germline.
Comment: The p.D170G variant (also known as c.509A>G), located in coding exon 4 of the HAX1 gene, results from an A to G substitution at nucleotide position 509. The aspartic acid at codon 170 is replaced by glycine, an amino acid with similar properties. This amino acid position is conserved. In addition, this alteration is predicted to be tolerated by in silico analysis. Based on the available evidence, the clinical significance of this variant remains unclear.

NM_006118.4(HAX1):c.509A>G (p.Asp170Gly)

Gene: HAX1 (HCLS1 associated protein X-1; plus strand). Cytogenetic location: 1q21.3.
Variant type: single nucleotide variant.
Coding change: c.509A>G on transcript NM_006118.4 (MANE Select); coding-DNA position 509, A replaced by G.
Protein change: p.Asp170Gly; replaces aspartic acid 170 with glycine.
Molecular consequence: missense variant.
Genome position (GRCh38, 1-based): chr1:154,274,954, A>G. VCF-style: chr1-154274954-A-G. GRCh37 (hg19) VCF-style: chr1-154247430-A-G.
Other names: c.365A>G, p.Asp122Gly (NM_001018837.2); short protein forms D122G, D170G.
Identifiers: ClinVar variation 4621339 (VCV004621339.1).